The following is an entry in ClinVar:

NM_024312.5(GNPTAB):c.3603G>A (p.Trp1201Ter)

Gene: GNPTAB (N-acetylglucosamine-1-phosphate transferase subunits alpha and beta; minus strand). Cytogenetic location: 12q23.2.
Variant type: single nucleotide variant.
Coding change: c.3603G>A on transcript NM_024312.5 (MANE Select); coding-DNA position 3603, G replaced by A.
Protein change: p.Trp1201Ter; replaces tryptophan 1201 with a stop codon.
Molecular consequence: nonsense.
Genome position (GRCh38, 1-based): chr12:101,749,191, C>T on the plus strand (G>A on the coding strand, the complement: GNPTAB is on the minus strand). VCF-style: chr12-101749191-C-T. GRCh37 (hg19) VCF-style: chr12-102142969-C-T.
Other names: short protein forms W1201*.
Identifiers: ClinVar variation 557839 (VCV000557839.3), dbSNP rs1555267839, ClinGen allele CA386291852.

ClinVar aggregate classification (germline): Likely pathogenic. Review status: criteria provided, single submitter (1 of 4 stars). 2 submissions from 2 submitters: Likely pathogenic (1). 1 of the submissions does not count toward it. Last evaluated 2024-09-08.

Conditions:
Mucolipidosis type II. Also called: Mucolipidosis II Alpha/Beta; Mucolipidosis 2; ML 2; Inclusion cell disease; Leroy Disease; N-acetylglucosamine 1phosphotransferase deficiency. Identifiers: Orphanet 576, MedGen C2673377, MONDO:0009650, OMIM 252500.
Pseudo-Hurler polydystrophy. Also called: MUCOLIPIDOSIS IIIA; ML IIIA; Mucolipidosis III Alpha/Beta; Type III Mucolipidosis; ML III; ML III ALPHA/BETA. Identifiers: Orphanet 423461, Orphanet 577, MedGen C0033788, MONDO:0018931, OMIM 252600.

Allele frequency attached by ClinVar (database versions not stated): gnomAD exomes below 0.00001.
gnomAD v4.1: 2 of 1,594,186 alleles (0.00013%); highest among the groups gnomAD compares: Non-Finnish European, 0.00017%; no homozygotes.

Submissions (2):

Natera, Inc.
Classification: Likely pathogenic for Mucolipidosis type II. Last evaluated: 2024-09-08. Review status: criteria provided, single submitter. Criteria: Natera Variant Classification Schema (03/2026). Collection method: clinical testing. Allele origin: germline.
Comment: The c.3603G>A variant in GNPTAB is a nonsense variant predicted to introduce a stop codon at amino acid 1201. This variant is expected to result in nonsense mediated decay, truncation, or a dysfunctional protein product. This variant is rare in the general population with a frequency below the threshold expected for the associated phenotype(s). Given the available evidence, this variant is classified as Likely Pathogenic.

Counsyl
Classification: Likely pathogenic for Mucolipidosis type II; Pseudo-Hurler polydystrophy. Last evaluated: 2018-04-09. Review status: no assertion criteria provided. Collection method: clinical testing. Allele origin: unknown. Not counted in ClinVar's aggregate classification.